The following is an entry in ClinVar:

ClinVar aggregate classification (germline): Uncertain significance (0 of 4 stars; one submission).

Conditions:
CHEK1-related disorder. Also called: CHEK1-related condition.

gnomAD v4.1: 34 of 702,540 alleles (0.0048%); highest among the groups gnomAD compares: Middle Eastern, 0.023%; no homozygotes.

Submission:

PreventionGenetics, part of Exact Sciences
Classification: Uncertain significance for CHEK1-related condition. Last evaluated: 2024-07-09. Review status: no assertion criteria provided. Collection method: clinical testing. Allele origin: germline.
Comment: The CHEK1 c.118G>C variant is predicted to result in the amino acid substitution p.Gly40Arg. To our knowledge, this variant has not been reported in the literature. This variant is reported in 0.014% of alleles in individuals of African descent in gnomAD. Although we suspect that this variant may be benign, at this time, the clinical significance of this variant is uncertain due to the absence of conclusive functional and genetic evidence.

NM_001114122.3(CHEK1):c.-155G>C

Genes: CHEK1 (checkpoint kinase 1; plus strand), LOC118567325 (uncharacterized LOC118567325; minus strand). Cytogenetic location: 11q24.2.
Variant type: single nucleotide variant.
Coding change: c.-155G>C on transcript NM_001114122.3 (MANE Select); 155 bases upstream of the start codon, G replaced by C.
Molecular consequence: 5 prime UTR variant. On other transcripts: non-coding transcript variant (2).
Genome position (GRCh38, 1-based): chr11:125,625,878, G>C. VCF-style: chr11-125625878-G-C. GRCh37 (hg19) VCF-style: chr11-125495773-G-C.
Other names: c.-155G>C (NM_001114121.2, NM_001244846.1); c.-234G>C (NM_001330427.2).
Identifiers: ClinVar variation 3350485 (VCV003350485.1).
Genomic context (GRCh38, chr11:125,625,878, plus strand): 5'-GCCCTGGGCGGGAGCGGCAACATCTCCACGTCACCCTTTTGGAGCCGCCGACATTCAGAG[G>C]GGCAGGACACGGGAACGCGCGCTGTCTTGCTTTACGGCGCGGGTGCGCGAGTTTGCGGCA-3'